The following is an entry in ClinVar:

NM_002292.4(LAMB2):c.2150C>T (p.Ser717Leu)

Gene: LAMB2 (laminin subunit beta 2; minus strand). Cytogenetic location: 3p21.31.
Variant type: single nucleotide variant.
Coding change: c.2150C>T on transcript NM_002292.4 (MANE Select); coding-DNA position 2150, C replaced by T.
Protein change: p.Ser717Leu; replaces serine 717 with leucine.
Molecular consequence: missense variant.
Genome position (GRCh38, 1-based): chr3:49,126,366, G>A on the plus strand (C>T on the coding strand, the complement: LAMB2 is on the minus strand). VCF-style: chr3-49126366-G-A. GRCh37 (hg19) VCF-style: chr3-49163799-G-A.
Other names: c.2150C>T (NM_002292.3); short protein forms S717L.
Identifiers: ClinVar variation 1435498 (VCV001435498.7), dbSNP rs374417189, ClinGen allele CA74482054.

ClinVar aggregate classification (germline): Uncertain significance. Review status: criteria provided, multiple submitters, no conflicts (2 of 4 stars). 2 submissions from 2 submitters: Uncertain significance (2). Last evaluated 2023-08-17.

Conditions:
Pierson syndrome. Also called: MICROCORIA-CONGENITAL NEPHROTIC SYNDROME. Identifiers: Orphanet 2670, MedGen C1836876, MONDO:0012184, OMIM 609049.
LAMB2-related infantile-onset nephrotic syndrome. Also called: NEPHROTIC SYNDROME, TYPE 5, WITHOUT OCULAR ABNORMALITIES; NEPHROTIC SYNDROME, TYPE 5, WITH OCULAR ABNORMALITIES; Nephrotic Syndrome, type 5. Identifiers: Orphanet 306507, MedGen C3280113, MONDO:0013621, OMIM 614199.
Inborn genetic diseases. Identifiers: MedGen C0950123, MeSH D030342.

Allele frequency attached by ClinVar (database versions not stated): gnomAD exomes below 0.00001; TOPMed below 0.00001; ESP Exome Variant Server 0.00008.

Submissions (2):

Labcorp Genetics (formerly Invitae), Labcorp
Classification: Uncertain significance for LAMB2-related infantile-onset nephrotic syndrome; Pierson syndrome. Last evaluated: 2023-08-17. Review status: criteria provided, single submitter. Criteria: Invitae Variant Classification Sherloc (09022015). Collection method: clinical testing. Allele origin: germline.
Comment: In summary, the available evidence is currently insufficient to determine the role of this variant in disease. Therefore, it has been classified as a Variant of Uncertain Significance. An algorithm developed to predict the effect of missense changes on protein structure and function (PolyPhen-2) suggests that this variant is likely to be disruptive. ClinVar contains an entry for this variant (Variation ID: 1435498). This variant has not been reported in the literature in individuals affected with LAMB2-related conditions. This variant is not present in population databases (gnomAD no frequency). This sequence change replaces serine, which is neutral and polar, with leucine, which is neutral and non-polar, at codon 717 of the LAMB2 protein (p.Ser717Leu).

Ambry Genetics
Classification: Uncertain significance for Inborn genetic diseases. Last evaluated: 2023-06-07. Review status: criteria provided, single submitter. Criteria: Ambry Variant Classification Scheme 2023. Collection method: clinical testing. Allele origin: germline.